The following is an entry in ClinVar:

NM_001013641.3(TMEM82):c.450G>A (p.Thr150=)

Genes: SLC25A34-AS1 (SLC25A34 and TMEM82 antisense RNA 1; minus strand), TMEM82 (transmembrane protein 82; plus strand). Cytogenetic location: 1p36.21.
Variant type: single nucleotide variant.
Coding change: c.450G>A on transcript NM_001013641.3 (MANE Select); coding-DNA position 450, G replaced by A.
Protein change: p.Thr150=; no amino-acid change (threonine 150 retained).
Molecular consequence: synonymous variant.
Genome position (GRCh38, 1-based): chr1:15,744,273, G>A. VCF-style: chr1-15744273-G-A. GRCh37 (hg19) VCF-style: chr1-16070768-G-A.
Identifiers: ClinVar variation 2638295 (VCV002638295.24), dbSNP rs141529365, ClinGen allele CA618002.

ClinVar aggregate classification (germline): Likely benign (1 of 4 stars; one submission).

Allele frequency attached by ClinVar (database versions not stated): 1000 Genomes Project 30x 0.00062; ESP Exome Variant Server 0.00070; 1000 Genomes Project 0.00080; TOPMed 0.00113; gnomAD 0.00219; ExAC 0.00399.
gnomAD v4.1: 2,384 of 1,558,882 alleles (0.15%); highest among the groups gnomAD compares: Non-Finnish European, 0.15%; 5 homozygotes.

Submission:

CeGaT Center for Human Genetics Tuebingen
Classification: Likely benign. Last evaluated: 2024-07-01. Review status: criteria provided, single submitter. Criteria: CeGaT Center For Human Genetics Tuebingen Variant Classification Criteria Version 2. Collection method: clinical testing. Allele origin: germline. Affected: yes. Observed: 5 variant alleles.
Comment: TMEM82: BP4, BP7, BS2